The following is an entry in ClinVar:

NM_000091.5(COL4A3):c.3203G>A (p.Gly1068Glu)

Genes: MFF-DT (MFF divergent transcript; minus strand), COL4A3 (collagen type IV alpha 3 chain; plus strand). Cytogenetic location: 2q36.3.
Variant type: single nucleotide variant.
Coding change: c.3203G>A on transcript NM_000091.5 (MANE Select); coding-DNA position 3203, G replaced by A.
Protein change: p.Gly1068Glu; replaces glycine 1068 with glutamic acid.
Molecular consequence: missense variant.
Genome position (GRCh38, 1-based): chr2:227,290,879, G>A. VCF-style: chr2-227290879-G-A. GRCh37 (hg19) VCF-style: chr2-228155595-G-A.
Other names: short protein forms G1068E.
Identifiers: ClinVar variation 3586093 (VCV003586093.3).

ClinVar aggregate classification (germline): Conflicting classifications of pathogenicity. Review status: criteria provided, conflicting classifications (1 of 4 stars). 3 submissions from 3 submitters: Likely pathogenic (2); Uncertain significance (1). Last evaluated 2025-08-29.

Conditions:
Autosomal dominant Alport syndrome (ATS3A). Also called: Alport syndrome dominant type; Renal failure and sensorineural hearing loss; ALPORT SYNDROME 3A, AUTOSOMAL DOMINANT. Identifiers: Orphanet 63, Orphanet 88918, MedGen C5882663, MONDO:0007086, OMIM 104200.
Hematuria, benign familial, 2 (BFH2). Identifiers: MedGen C5830421, MONDO:0958186, OMIM 620320.
Alport syndrome 3b, autosomal recessive. Identifiers: MedGen C5882699, MONDO:0957811, OMIM 620536.
Alport syndrome. Also called: Hemorrhagic familial nephritis; Hemorrhagic hereditary nephritis; Congenital hereditary hematuria. Identifiers: Orphanet 63, MedGen C1567741, MONDO:0018965.

gnomAD v4.1: 1 of 1,612,110 alleles (0.000062%); highest among the groups gnomAD compares: Non-Finnish European, 0.000085%; no homozygotes.

Submissions (3):

Natera, Inc.
Classification: Likely pathogenic for Alport syndrome. Last evaluated: 2025-08-29. Review status: criteria provided, single submitter. Criteria: Natera Variant Classification Schema (03/2026). Collection method: clinical testing. Allele origin: germline.
Comment: The c.3203G>A variant in COL4A3 is a missense variant predicted to cause substitution of glycine to glutamic acid at amino acid 1068. This variant is rare in the general population with a frequency below the threshold expected for the associated phenotype(s). This variant is located in a functionally critical region of the protein. Computational prediction algorithms indicate this variant is likely to affect gene or protein function. Given the available evidence, this variant is classified as Likely Pathogenic.

Labcorp Genetics (formerly Invitae), Labcorp
Classification: Uncertain significance. Last evaluated: 2025-07-22. Review status: criteria provided, single submitter. Criteria: Invitae Variant Classification Sherloc (09022015). Collection method: clinical testing. Allele origin: germline.
Comment: This sequence change replaces glycine, which is neutral and non-polar, with glutamic acid, which is acidic and polar, at codon 1068 of the COL4A3 protein (p.Gly1068Glu). This variant is not present in population databases (gnomAD no frequency). This variant has not been reported in the literature in individuals affected with COL4A3-related conditions. ClinVar contains an entry for this variant (Variation ID: 3586093). Invitae Evidence Modeling of protein sequence and biophysical properties (such as structural, functional, and spatial information, amino acid conservation, physicochemical variation, residue mobility, and thermodynamic stability) indicates that this missense variant is expected to disrupt COL4A3 protein function with a positive predictive value of 80%. In summary, the available evidence is currently insufficient to determine the role of this variant in disease. Therefore, it has been classified as a Variant of Uncertain Significance.

Fulgent Genetics
Classification: Likely pathogenic for Autosomal dominant Alport syndrome; Hematuria, benign familial, 2; Alport syndrome 3b, autosomal recessive. Last evaluated: 2024-04-06. Review status: criteria provided, single submitter. Criteria: ACMG Guidelines, 2015. Collection method: clinical testing. Allele origin: germline.